The following is an entry in ClinVar:

ClinVar aggregate classification (germline): Uncertain significance (1 of 4 stars; one submission).

Conditions:
Familial melanoma. Also called: Hereditary melanoma; Hereditary cutaneous melanoma. Identifiers: Orphanet 618, MedGen C1512419, MONDO:0018961.

Submission:

Labcorp Genetics (formerly Invitae), Labcorp
Classification: Uncertain significance for Familial melanoma. Last evaluated: 2023-12-26. Review status: criteria provided, single submitter. Criteria: Invitae Variant Classification Sherloc (09022015). Collection method: clinical testing. Allele origin: germline.
Comment: The CDKN2A gene encodes two different proteins, p16INK4a and p14ARF, which are translated from alternative transcripts with different open reading frames. Both transcripts have been analyzed. We report either the variant with the higher classification or default to the CDKN2A (p16INK4a) variant. This report therefore includes the details for the CDKN2A (p16INK4a) variant. This variant, c.218_220del, results in the deletion of 1 amino acid(s) of the CDKN2A (p16INK4a) protein (p.Ala73del), but otherwise preserves the integrity of the reading frame. This variant is not present in population databases (gnomAD no frequency). This variant has not been reported in the literature in individuals affected with CDKN2A (p16INK4a)-related conditions. This variant is also known as c.261_263del (p.Arg88del) in CDKN2A (p14ARF) NM_058195.3. Experimental studies and prediction algorithms are not available or were not evaluated, and the functional significance of this variant is currently unknown. In summary, the available evidence is currently insufficient to determine the role of this variant in disease. Therefore, it has been classified as a Variant of Uncertain Significance.

NM_000077.5(CDKN2A):c.218_220del (p.Ala73del)

Gene: CDKN2A (cyclin dependent kinase inhibitor 2A; minus strand). Cytogenetic location: 9p21.3.
Variant type: Deletion.
Coding change: c.218_220del on transcript NM_000077.5; coding-DNA positions 218 to 220, 3 bases deleted (CCG; older notation c.218_220delCCG).
Protein change: p.Ala73del; deletes alanine 73.
Molecular consequence: inframe indel (on NM_000077.6). On other transcripts: inframe deletion (3), 3 prime UTR variant (1).
Genome position (GRCh38, 1-based): chr9:21,971,139-21,971,141, CGG deleted on the plus strand (CCG on the coding strand, the reverse complement: CDKN2A is on the minus strand); deleting any 3 consecutive bases within chr9:21,971,139-21,971,143 gives the same sequence; the c. name uses the placement nearest the transcript's 3' end. VCF-style (leftmost placement, unchanged base first): chr9-21971138-TCGG-T. GRCh37 (hg19) VCF-style: chr9-21971137-TCGG-T.
Other names: c.216_218delCGC, p.Ala73del (NM_000077.6); c.218_220del, p.Ala73del (NM_001195132.2); c.65_67del, p.Ala22del (NM_001363763.2); c.261_263del, p.Arg88del (NM_058195.4); c.*141_*143del (NM_058197.5); short protein forms A73del, R88del, A22del.
Identifiers: ClinVar variation 2705674 (VCV002705674.3), dbSNP rs1554654136, ClinGen allele CA2697557699.